The following is an entry in ClinVar:

ClinVar aggregate classification (germline): Likely benign. Review status: criteria provided, multiple submitters, no conflicts (2 of 4 stars). 8 submissions from 8 submitters: Likely benign (7). 1 of the submissions does not count toward it. Last evaluated 2026-05-01.

Conditions:
Inborn genetic diseases. Identifiers: MedGen C0950123, MeSH D030342.
Wilson disease (WND). Also called: Wilson's disease. Identifiers: Orphanet 905, MedGen C0019202, MONDO:0010200, OMIM 277900. Disease mechanism: loss of function.

Allele frequency attached by ClinVar (database versions not stated): gnomAD 0.00013 and 0.00014; gnomAD exomes 0.00014 and 0.00020; TOPMed 0.00015; ESP Exome Variant Server 0.00016; ExAC 0.00018; 1000 Genomes Project 0.00040; 1000 Genomes Project 30x 0.00047.
gnomAD v4.1: 314 of 1,609,764 alleles (0.02%); highest among the groups gnomAD compares: Middle Eastern, 0.12%; no homozygotes.

Submissions (8):

CeGaT Center for Human Genetics Tuebingen
Classification: Likely benign. Last evaluated: 2026-05-01. Review status: criteria provided, single submitter. Criteria: CeGaT Center For Human Genetics Tuebingen Variant Classification Criteria Version 2. Collection method: clinical testing. Allele origin: germline. Affected: yes. Observed: 4 variant alleles.
Comment: ATP7B: BP4, BP7

Labcorp Genetics (formerly Invitae), Labcorp
Classification: Likely benign for Wilson disease. Last evaluated: 2026-01-11. Review status: criteria provided, single submitter. Criteria: Invitae Variant Classification Sherloc (09022015). Collection method: clinical testing. Allele origin: germline.

Blueprint Genetics
Classification: Likely benign. Last evaluated: 2024-08-01. Review status: criteria provided, single submitter. Criteria: ACMG Guidelines, 2015. Collection method: clinical testing. Allele origin: germline.

All of Us Research Program, National Institutes of Health
Classification: Likely benign for Wilson disease. Last evaluated: 2023-12-18. Review status: criteria provided, single submitter. Criteria: ACMG Guidelines, 2015. Collection method: clinical testing. Allele origin: germline. Inheritance: Autosomal recessive inheritance. Observed: 30 variant alleles, 30 heterozygotes.
Comment: This study involves interpretation of variants in research participants for the purpose of population health screening. Participant phenotype was not available at the time of variant classification. Additional details can be found in publication PMID: 35346344, PMCID: PMC8962531

Ambry Genetics
Classification: Likely benign for Inborn genetic diseases. Last evaluated: 2023-01-22. Review status: criteria provided, single submitter. Criteria: Ambry Variant Classification Scheme 2023. Collection method: clinical testing. Allele origin: germline.

Color Diagnostics, LLC DBA Color Health
Classification: Likely benign for Wilson disease. Last evaluated: 2022-04-28. Review status: criteria provided, single submitter. Criteria: ACMG Guidelines, 2015. Collection method: clinical testing. Allele origin: germline.

Women's Health and Genetics/Laboratory Corporation of America, LabCorp
Classification: Likely benign. Last evaluated: 2019-08-21. Review status: criteria provided, single submitter. Criteria: LabCorp Variant Classification Summary - May 2015. Collection method: clinical testing. Allele origin: germline.

Natera, Inc.
Classification: Uncertain significance for Wilson disease. Last evaluated: 2020-04-15. Review status: no assertion criteria provided. Collection method: clinical testing. Allele origin: germline. Not counted in ClinVar's aggregate classification.

NM_000053.4(ATP7B):c.3006C>T (p.Ala1002=)

Gene: ATP7B (ATPase copper transporting beta; minus strand). Cytogenetic location: 13q14.3.
Variant type: single nucleotide variant.
Coding change: c.3006C>T on transcript NM_000053.4 (MANE Select); coding-DNA position 3006, C replaced by T.
Protein change: p.Ala1002=; no amino-acid change (alanine 1002 retained).
Molecular consequence: synonymous variant.
Genome position (GRCh38, 1-based): chr13:51,946,338, G>A on the plus strand (C>T on the coding strand, the complement: ATP7B is on the minus strand). VCF-style: chr13-51946338-G-A. GRCh37 (hg19) VCF-style: chr13-52520474-G-A.
Other names: c.2385C>T, p.Ala795= (NM_001005918.3); c.2673C>T, p.Ala891= (NM_001243182.2); c.2772C>T, p.Ala924= (NM_001330578.2); c.2754C>T, p.Ala918= (NM_001330579.2).
Identifiers: ClinVar variation 495409 (VCV000495409.58), dbSNP rs369620062, ClinGen allele CA6988838.